The following is an entry in ClinVar:

NM_004990.4(MARS1):c.1940T>C (p.Leu647Pro)

Gene: MARS1 (methionyl-tRNA synthetase 1; plus strand). Cytogenetic location: 12q13.3.
Variant type: single nucleotide variant.
Coding change: c.1940T>C on transcript NM_004990.4 (MANE Select); coding-DNA position 1940, T replaced by C.
Protein change: p.Leu647Pro; replaces leucine 647 with proline.
Molecular consequence: missense variant.
Genome position (GRCh38, 1-based): chr12:57,512,937, T>C. VCF-style: chr12-57512937-T-C. GRCh37 (hg19) VCF-style: chr12-57906720-T-C.
Other names: short protein forms L647P.
Identifiers: ClinVar variation 2937365 (VCV002937365.3), dbSNP rs2540315288, ClinGen allele CA385463484.

ClinVar aggregate classification (germline): Uncertain significance (1 of 4 stars; one submission).

Conditions:
Severe early-onset pulmonary alveolar proteinosis due to MARS deficiency. Also called: PULMONARY ALVEOLAR PROTEINOSIS, REUNION ISLAND; Interstitial lung and liver disease. Identifiers: Orphanet 440427, MedGen C4225400, MONDO:0014206, OMIM 615486.
Charcot-Marie-Tooth disease axonal type 2U. Also called: CHARCOT-MARIE-TOOTH NEUROPATHY, TYPE 2U; CHARCOT-MARIE-TOOTH DISEASE, AXONAL, AUTOSOMAL DOMINANT, TYPE 2U. Identifiers: Orphanet 397735, MedGen C4084821, MONDO:0014566, OMIM 616280.

Allele frequency attached by ClinVar (database versions not stated): gnomAD exomes below 0.00001.
gnomAD v4.1: 1 of 1,614,212 alleles (0.000062%); highest among the groups gnomAD compares: African/African-American, 0.0013%; no homozygotes.

Submission:

Labcorp Genetics (formerly Invitae), Labcorp
Classification: Uncertain significance for Charcot-Marie-Tooth disease axonal type 2U; Severe early-onset pulmonary alveolar proteinosis due to MARS deficiency. Last evaluated: 2023-06-18. Review status: criteria provided, single submitter. Criteria: Invitae Variant Classification Sherloc (09022015). Collection method: clinical testing. Allele origin: germline.
Comment: This variant is not present in population databases (gnomAD no frequency). This sequence change replaces leucine, which is neutral and non-polar, with proline, which is neutral and non-polar, at codon 647 of the MARS protein (p.Leu647Pro). This variant has not been reported in the literature in individuals affected with MARS-related conditions. An algorithm developed to predict the effect of missense changes on protein structure and function (PolyPhen-2) suggests that this variant is likely to be disruptive. In summary, the available evidence is currently insufficient to determine the role of this variant in disease. Therefore, it has been classified as a Variant of Uncertain Significance.